The following is an entry in ClinVar:

ClinVar aggregate classification (germline): Uncertain significance (1 of 4 stars; one submission).

Conditions:
Hereditary cancer-predisposing syndrome. Also called: Hereditary Cancer Syndrome; Neoplastic Syndromes, Hereditary; Tumor predisposition; Hereditary neoplastic syndrome. Identifiers: Orphanet 140162, MedGen C0027672, MeSH D009386, MONDO:0015356.

Submission:

Ambry Genetics
Classification: Uncertain significance for Hereditary cancer-predisposing syndrome. Last evaluated: 2024-08-04. Review status: criteria provided, single submitter. Criteria: Ambry Variant Classification Scheme 2023. Collection method: clinical testing. Allele origin: germline.
Comment: The p.C680S variant (also known as c.2038T>A), located in coding exon 13 of the RAD50 gene, results from a T to A substitution at nucleotide position 2038. The cysteine at codon 680 is replaced by serine, an amino acid with dissimilar properties. This variant was not reported in population based cohorts in the following databases: Database of Single Nucleotide Polymorphisms (dbSNP), NHLBI Exome Sequencing Project (ESP), and 1000 Genomes Project. In the ESP, this variant was not observed in 6503 samples (13006 alleles) with coverage at this position. To date, this alteration has been detected with an allele frequency of approximately 0.001% (greater than 175000 alleles tested) in our clinical cohort. This amino acid position is highly conserved in available vertebrate species. In addition, this alteration is predicted to be deleterious by in silico analysis. Since supporting evidence is limited at this time, the clinical significance of this alteration remains unclear.

NM_005732.4(RAD50):c.2038T>A (p.Cys680Ser)

Gene: RAD50 (RAD50 double strand break repair protein; plus strand). Cytogenetic location: 5q31.1.
Variant type: single nucleotide variant.
Coding change: c.2038T>A on transcript NM_005732.4 (MANE Select); coding-DNA position 2038, T replaced by A.
Protein change: p.Cys680Ser; replaces cysteine 680 with serine.
Molecular consequence: missense variant.
Genome position (GRCh38, 1-based): chr5:132,595,641, T>A. VCF-style: chr5-132595641-T-A. GRCh37 (hg19) VCF-style: chr5-131931333-T-A.
Other names: short protein forms C680S.
Identifiers: ClinVar variation 480456 (VCV000480456.6), dbSNP rs1554098678, ClinGen allele CA360949540.
Genomic context (GRCh38, chr5:132,595,641, plus strand): 5'-GCTGGAGCCACAGCAGTTTACTCCCAGTTCATTACTCAGCTAACAGACGAAAACCAGTCA[T>A]GTTGCCCCGTTTGTCAGAGAGTTTTTCAGACAGAGGCTGAGTTACAAGAAGTCATCAGTG-3'
Protein context (NP_005723.2, residues 670-690): ITQLTDENQS[Cys680Ser]CPVCQRVFQT